The following is an entry in ClinVar:

NM_001105206.3(LAMA4):c.550T>G (p.Cys184Gly)

Gene: LAMA4 (laminin subunit alpha 4; minus strand). Cytogenetic location: 6q21.
Variant type: single nucleotide variant.
Coding change: c.550T>G on transcript NM_001105206.3 (MANE Select); coding-DNA position 550, T replaced by G.
Protein change: p.Cys184Gly; replaces cysteine 184 with glycine.
Molecular consequence: missense variant.
Genome position (GRCh38, 1-based): chr6:112,191,804, A>C on the plus strand (T>G on the coding strand, the complement: LAMA4 is on the minus strand). VCF-style: chr6-112191804-A-C. GRCh37 (hg19) VCF-style: chr6-112513006-A-C.
Other names: c.550T>G, p.Cys184Gly (NM_001105207.3, NM_002290.5); short protein forms C184G.
Identifiers: ClinVar variation 2765780 (VCV002765780.4), dbSNP rs759487426, ClinGen allele CA144885403.

ClinVar aggregate classification (germline): Uncertain significance. Review status: criteria provided, multiple submitters, no conflicts (2 of 4 stars). 2 submissions from 2 submitters: Uncertain significance (2). Last evaluated 2025-07-21.

Conditions:
Dilated cardiomyopathy 1JJ (CMD1JJ). Identifiers: Orphanet 154, MedGen C3808935, MONDO:0014095, OMIM 615235.
Cardiovascular phenotype. Identifiers: MedGen CN230736.

Allele frequency attached by ClinVar (database versions not stated): gnomAD 0.00001.
gnomAD v4.1: 5 of 1,614,010 alleles (0.00031%); highest among the groups gnomAD compares: Non-Finnish European, 0.00034%; no homozygotes.

Submissions (2):

Ambry Genetics
Classification: Uncertain significance for Cardiovascular phenotype. Last evaluated: 2025-07-21. Review status: criteria provided, single submitter. Criteria: Ambry Variant Classification Scheme 2023. Collection method: clinical testing. Allele origin: germline.
Comment: The p.C184G variant (also known as c.550T>G), located in coding exon 5 of the LAMA4 gene, results from a T to G substitution at nucleotide position 550. The cysteine at codon 184 is replaced by glycine, an amino acid with highly dissimilar properties. This amino acid position is conserved. In addition, this alteration is predicted to be deleterious by in silico analysis. Based on the available evidence, the clinical significance of this variant remains unclear.

Labcorp Genetics (formerly Invitae), Labcorp
Classification: Uncertain significance for Dilated cardiomyopathy 1JJ. Last evaluated: 2024-01-27. Review status: criteria provided, single submitter. Criteria: Invitae Variant Classification Sherloc (09022015). Collection method: clinical testing. Allele origin: germline.
Comment: This sequence change replaces cysteine, which is neutral and slightly polar, with glycine, which is neutral and non-polar, at codon 184 of the LAMA4 protein (p.Cys184Gly). This variant is present in population databases (no rsID available, gnomAD 0.002%). This variant has not been reported in the literature in individuals affected with LAMA4-related conditions. An algorithm developed to predict the effect of missense changes on protein structure and function (PolyPhen-2) suggests that this variant is likely to be disruptive. In summary, the available evidence is currently insufficient to determine the role of this variant in disease. Therefore, it has been classified as a Variant of Uncertain Significance.